The following is an entry in ClinVar:

NM_006231.4(POLE):c.1970A>G (p.Asn657Ser)

Gene: POLE (DNA polymerase epsilon, catalytic subunit; minus strand). Cytogenetic location: 12q24.33.
Variant type: single nucleotide variant.
Coding change: c.1970A>G on transcript NM_006231.4 (MANE Select); coding-DNA position 1970, A replaced by G.
Protein change: p.Asn657Ser; replaces asparagine 657 with serine.
Molecular consequence: missense variant.
Genome position (GRCh38, 1-based): chr12:132,668,691, T>C on the plus strand (A>G on the coding strand, the complement: POLE is on the minus strand). VCF-style: chr12-132668691-T-C. GRCh37 (hg19) VCF-style: chr12-133245277-T-C.
Other names: c.1970A>G (NM_006231.2); short protein forms N657S.
Identifiers: ClinVar variation 405851 (VCV000405851.13), dbSNP rs763809781, ClinGen allele CA6893747.

ClinVar aggregate classification (germline): Conflicting classifications of pathogenicity. Review status: criteria provided, conflicting classifications (1 of 4 stars). 3 submissions from 3 submitters: Uncertain significance (2); Likely benign (1). Last evaluated 2026-03-02.

Conditions:
Hereditary cancer-predisposing syndrome. Also called: Neoplastic Syndromes, Hereditary; Tumor predisposition; Hereditary neoplastic syndrome; Hereditary Cancer Syndrome. Identifiers: Orphanet 140162, MedGen C0027672, MeSH D009386, MONDO:0015356.

Allele frequency attached by ClinVar (database versions not stated): TOPMed 0.00001; gnomAD exomes 0.00002 and 0.00004; gnomAD 0.00001; ExAC 0.00005.
gnomAD v4.1: 15 of 1,613,934 alleles (0.00093%); highest among the groups gnomAD compares: Non-Finnish European, 0.0011%; no homozygotes.

Submissions (3):

Ambry Genetics
Classification: Likely benign for Hereditary cancer-predisposing syndrome. Last evaluated: 2026-03-02. Review status: criteria provided, single submitter. Criteria: Ambry Variant Classification Scheme 2023. Collection method: clinical testing. Allele origin: germline.

Center for Genomic Medicine, Rigshospitalet, Copenhagen University Hospital
Classification: Uncertain significance. Last evaluated: 2025-12-29. Review status: criteria provided, single submitter. Criteria: ACMG Guidelines, 2015. Collection method: clinical testing. Allele origin: germline.

Labcorp Genetics (formerly Invitae), Labcorp
Classification: Uncertain significance. Last evaluated: 2025-10-14. Review status: criteria provided, single submitter. Criteria: Invitae Variant Classification Sherloc (09022015). Collection method: clinical testing. Allele origin: germline.
Comment: This sequence change replaces asparagine, which is neutral and polar, with serine, which is neutral and polar, at codon 657 of the POLE protein (p.Asn657Ser). This variant is present in population databases (rs763809781, gnomAD 0.007%). This variant has not been reported in the literature in individuals affected with POLE-related conditions. ClinVar contains an entry for this variant (Variation ID: 405851). Invitae Evidence Modeling of protein sequence and biophysical properties (such as structural, functional, and spatial information, amino acid conservation, physicochemical variation, residue mobility, and thermodynamic stability) indicates that this missense variant is not expected to disrupt POLE protein function with a negative predictive value of 80%. In summary, the available evidence is currently insufficient to determine the role of this variant in disease. Therefore, it has been classified as a Variant of Uncertain Significance.